The following is an entry in ClinVar:

NM_145290.4(ADGRA3):c.329T>C (p.Leu110Ser)

Gene: ADGRA3 (adhesion G protein-coupled receptor A3; minus strand). Cytogenetic location: 4p15.2.
Variant type: single nucleotide variant.
Coding change: c.329T>C on transcript NM_145290.4 (MANE Select); coding-DNA position 329, T replaced by C.
Protein change: p.Leu110Ser; replaces leucine 110 with serine.
Molecular consequence: missense variant.
Genome position (GRCh38, 1-based): chr4:22,473,772, A>G on the plus strand (T>C on the coding strand, the complement: ADGRA3 is on the minus strand). VCF-style: chr4-22473772-A-G. GRCh37 (hg19) VCF-style: chr4-22475395-A-G.
Other names: short protein forms L110S.
Identifiers: ClinVar variation 1964833 (VCV001964833.5), dbSNP rs1218545395, ClinGen allele CA356481141.
Genomic context (GRCh38, chr4:22,473,772, plus strand): 5'-ATTTACAATGAAAATGCATTAAACAAAATAATAATGAGATGATAATTAAAGAATACTCAC[A>G]ATCTTTCAAGGAGACTTAACCCAGAAAATGAGCCATTCTTCAGCTCGGATATCTTATTGT-3'
Protein context (NP_660333.2, residues 100-120): SFSGLSLLER[Leu110Ser]DLRNNLISSI

ClinVar aggregate classification (germline): Uncertain significance (1 of 4 stars; one submission).

Allele frequency attached by ClinVar (database versions not stated): gnomAD exomes below 0.00001.
gnomAD v4.1: 4 of 1,563,864 alleles (0.00026%); highest among the groups gnomAD compares: Non-Finnish European, 0.00018%; no homozygotes.

Submission:

Labcorp Genetics (formerly Invitae), Labcorp
Classification: Uncertain significance. Last evaluated: 2021-12-08. Review status: criteria provided, single submitter. Criteria: Invitae Variant Classification Sherloc (09022015). Collection method: clinical testing. Allele origin: germline.
Comment: This sequence change replaces leucine, which is neutral and non-polar, with serine, which is neutral and polar, at codon 110 of the ADGRA3 protein (p.Leu110Ser). This variant is present in population databases (no rsID available, gnomAD 0.01%). This variant has not been reported in the literature in individuals affected with ADGRA3-related conditions. Algorithms developed to predict the effect of missense changes on protein structure and function are either unavailable or do not agree on the potential impact of this missense change (SIFT: "Deleterious"; PolyPhen-2: "Possibly Damaging"; Align-GVGD: "Class C0"). In summary, the available evidence is currently insufficient to determine the role of this variant in disease. Therefore, it has been classified as a Variant of Uncertain Significance.